The following is an entry in ClinVar:

NM_022489.4(INF2):c.1732C>T (p.Arg578Cys)

Gene: INF2 (inverted formin 2; plus strand). Cytogenetic location: 14q32.33.
Variant type: single nucleotide variant.
Coding change: c.1732C>T on transcript NM_022489.4 (MANE Select); coding-DNA position 1732, C replaced by T.
Protein change: p.Arg578Cys; replaces arginine 578 with cysteine.
Molecular consequence: missense variant.
Genome position (GRCh38, 1-based): chr14:104,707,999, C>T. VCF-style: chr14-104707999-C-T. GRCh37 (hg19) VCF-style: chr14-105174336-C-T.
Other names: p.Arg578Cys; c.1732C>T, p.Arg578Cys (NM_001031714.4); short protein forms R578C.
Identifiers: ClinVar variation 703811 (VCV000703811.19), dbSNP rs201593594, ClinGen allele CA7372627.

ClinVar aggregate classification (germline): Benign/Likely benign. Review status: criteria provided, multiple submitters, no conflicts (2 of 4 stars). 6 submissions from 6 submitters: Benign (3); Likely benign (3). Last evaluated 2026-01-24.

Conditions:
Inborn genetic diseases. Identifiers: MedGen C0950123, MeSH D030342.
Charcot-Marie-Tooth disease dominant intermediate E. Also called: CHARCOT-MARIE-TOOTH NEUROPATHY WITH FOCAL SEGMENTAL GLOMERULONEPHRITIS. Identifiers: Orphanet 93114, MedGen C4302667, MONDO:0013758, OMIM 614455.
Focal segmental glomerulosclerosis 5 (FSGS5). Identifiers: Orphanet 656, MedGen C2750475, MONDO:0013191, OMIM 613237.

Allele frequency attached by ClinVar (database versions not stated): TOPMed 0.00142; gnomAD exomes 0.00013 and 0.00035; ExAC 0.00035; 1000 Genomes Project 0.00060; 1000 Genomes Project 30x 0.00062; gnomAD 0.00105 and 0.00116; ESP Exome Variant Server 0.00111.

Submissions (6):

Labcorp Genetics (formerly Invitae), Labcorp
Classification: Benign for Charcot-Marie-Tooth disease dominant intermediate E; Focal segmental glomerulosclerosis 5. Last evaluated: 2026-01-24. Review status: criteria provided, single submitter. Criteria: Invitae Variant Classification Sherloc (09022015). Collection method: clinical testing. Allele origin: germline.

Mayo Clinic Laboratories, Mayo Clinic
Classification: Benign. Last evaluated: 2025-05-23. Review status: criteria provided, single submitter. Criteria: ACMG Guidelines, 2015. Collection method: clinical testing. Allele origin: germline. Observed: 1 variant allele.
Comment: BS1, BS2, BP4_moderate

Women's Health and Genetics/Laboratory Corporation of America, LabCorp
Classification: Likely benign. Last evaluated: 2024-11-25. Review status: criteria provided, single submitter. Criteria: LabCorp Variant Classification Summary - May 2015. Collection method: clinical testing. Allele origin: germline.

Blueprint Genetics
Classification: Likely benign. Last evaluated: 2024-05-15. Review status: criteria provided, single submitter. Criteria: ACMG Guidelines, 2015. Collection method: clinical testing. Allele origin: germline.

GeneDx
Classification: Benign. Last evaluated: 2021-03-05. Review status: criteria provided, single submitter. Criteria: GeneDx Variant Classification Process June 2021. Collection method: clinical testing. Allele origin: germline. Affected: yes.

Ambry Genetics
Classification: Likely benign for Inborn genetic diseases. Last evaluated: 2020-12-18. Review status: criteria provided, single submitter. Criteria: Ambry Variant Classification Scheme 2023. Collection method: clinical testing. Allele origin: germline.